The following is an entry in ClinVar:

ClinVar aggregate classification (germline): Uncertain significance (1 of 4 stars; one submission).

Conditions:
Bosch-Boonstra-Schaaf optic atrophy syndrome (BBSOAS). Also called: NR2F1-Related Neurodevelopmental Disorder. Identifiers: Orphanet 401777, MedGen C3810363, MONDO:0014320, OMIM 615722.

Submission:

Laboratorio de Genetica e Diagnostico Molecular, Hospital Israelita Albert Einstein
Classification: Uncertain significance for Bosch-Boonstra-Schaaf optic atrophy syndrome. Last evaluated: 2023-06-23. Review status: criteria provided, single submitter. Criteria: ACMG Guidelines, 2015. Collection method: clinical testing. Allele origin: germline. Affected: yes.
Comment: ACMG classification criteria: PM2 moderate, PP2 supporting, PP3 supporting

NM_005654.6(NR2F1):c.784C>G (p.Leu262Val)

Gene: NR2F1 (nuclear receptor subfamily 2 group F member 1; plus strand). Cytogenetic location: 5q15.
Variant type: single nucleotide variant.
Coding change: c.784C>G on transcript NM_005654.6 (MANE Select); coding-DNA position 784, C replaced by G.
Protein change: p.Leu262Val; replaces leucine 262 with valine.
Molecular consequence: missense variant.
Genome position (GRCh38, 1-based): chr5:93,588,237, C>G. VCF-style: chr5-93588237-C-G. GRCh37 (hg19) VCF-style: chr5-92923943-C-G.
Other names: c.334C>G, p.Leu112Val (NM_001410754.1); short protein forms L112V, L262V.
Identifiers: ClinVar variation 4056676 (VCV004056676.1).